The following is an entry in ClinVar:

ClinVar aggregate classification (germline): Likely benign (1 of 4 stars; one submission).

Allele frequency attached by ClinVar (database versions not stated): 1000 Genomes Project 0.00040; gnomAD 0.00058; 1000 Genomes Project 30x 0.00062; ESP Exome Variant Server 0.00062; TOPMed 0.00065; ExAC 0.00085.
gnomAD v4.1: 1,400 of 1,608,606 alleles (0.087%); highest among the groups gnomAD compares: Admixed American, 0.12%; no homozygotes.

Submission:

CeGaT Center for Human Genetics Tuebingen
Classification: Likely benign. Last evaluated: 2022-03-01. Review status: criteria provided, single submitter. Criteria: CeGaT Center For Human Genetics Tuebingen Variant Classification Criteria Version 2. Collection method: clinical testing. Allele origin: germline. Affected: yes. Observed: 1 variant allele.
Comment: ANAPC2: BP4, BP7

NM_013366.4(ANAPC2):c.2091C>T (p.Ser697=)

Gene: ANAPC2 (anaphase promoting complex subunit 2; minus strand). Cytogenetic location: 9q34.3.
Variant type: single nucleotide variant.
Coding change: c.2091C>T on transcript NM_013366.4 (MANE Select); coding-DNA position 2091, C replaced by T.
Protein change: p.Ser697=; no amino-acid change (serine 697 retained).
Molecular consequence: synonymous variant.
Genome position (GRCh38, 1-based): chr9:137,175,402, G>A on the plus strand (C>T on the coding strand, the complement: ANAPC2 is on the minus strand). VCF-style: chr9-137175402-G-A. GRCh37 (hg19) VCF-style: chr9-140069854-G-A.
Identifiers: ClinVar variation 2659813 (VCV002659813.24), dbSNP rs140009201, ClinGen allele CA5361601.